The following is an entry in ClinVar:

ClinVar aggregate classification (germline): Uncertain significance (1 of 4 stars; one submission).

Conditions:
Inborn genetic diseases. Identifiers: MedGen C0950123, MeSH D030342.

Submission:

Ambry Genetics
Classification: Uncertain significance for Inborn genetic diseases. Last evaluated: 2024-11-09. Review status: criteria provided, single submitter. Criteria: Ambry Variant Classification Scheme 2023. Collection method: clinical testing. Allele origin: germline.
Comment: The p.D867N variant (also known as c.2599G>A), located in coding exon 20 of the LRRK2 gene, results from a G to A substitution at nucleotide position 2599. The aspartic acid at codon 867 is replaced by asparagine, an amino acid with highly similar properties. This amino acid position is conserved. In addition, this alteration is predicted to be tolerated by in silico analysis. Based on the available evidence, the clinical significance of this variant remains unclear.

NM_198578.4(LRRK2):c.2599G>A (p.Asp867Asn)

Gene: LRRK2 (leucine rich repeat kinase 2; plus strand). Cytogenetic location: 12q12.
Variant type: single nucleotide variant.
Coding change: c.2599G>A on transcript NM_198578.4 (MANE Select); coding-DNA position 2599, G replaced by A.
Protein change: p.Asp867Asn; replaces aspartic acid 867 with asparagine.
Molecular consequence: missense variant.
Genome position (GRCh38, 1-based): chr12:40,287,449, G>A. VCF-style: chr12-40287449-G-A. GRCh37 (hg19) VCF-style: chr12-40681251-G-A.
Other names: short protein forms D867N.
Identifiers: ClinVar variation 3540775 (VCV003540775.1).